The following is an entry in ClinVar:

NM_182972.3(IRF2BP2):c.881G>C (p.Gly294Ala)

Gene: IRF2BP2 (interferon regulatory factor 2 binding protein 2; minus strand). Cytogenetic location: 1q42.3.
Variant type: single nucleotide variant.
Coding change: c.881G>C on transcript NM_182972.3 (MANE Select); coding-DNA position 881, G replaced by C.
Protein change: p.Gly294Ala; replaces glycine 294 with alanine.
Molecular consequence: missense variant.
Genome position (GRCh38, 1-based): chr1:234,608,614, C>G on the plus strand (G>C on the coding strand, the complement: IRF2BP2 is on the minus strand). VCF-style: chr1-234608614-C-G. GRCh37 (hg19) VCF-style: chr1-234744360-C-G.
Other names: c.881G>C, p.Gly294Ala (NM_001077397.1); short protein forms G294A.
Identifiers: ClinVar variation 1420464 (VCV001420464.7), dbSNP rs755757862, ClinGen allele CA1461743.
Genomic context (GRCh38, chr1:234,608,614, plus strand): 5'-TGGTGCAGCGCCAGCAGCGTGTCGCGCACGGTCTTGGGCCTGTTGACCCAGTCCTGCTCT[C>G]CAGACCCGCGGCTCTTGCCCGCACCTTCCGCGCTCAGCTCGGCGGCCCCGGCCGCGGTGG-3'
Protein context (NP_892017.2, residues 284-304): AEGAGKSRGS[Gly294Ala]EQDWVNRPKT

ClinVar aggregate classification (germline): Uncertain significance (1 of 4 stars; one submission).

Allele frequency attached by ClinVar (database versions not stated): gnomAD exomes 0.00002; ExAC 0.00004.
gnomAD v4.1: 22 of 1,581,434 alleles (0.0014%); highest among the groups gnomAD compares: African/African-American, 0.029%; no homozygotes.

Submission:

Labcorp Genetics (formerly Invitae), Labcorp
Classification: Uncertain significance. Last evaluated: 2022-08-23. Review status: criteria provided, single submitter. Criteria: Invitae Variant Classification Sherloc (09022015). Collection method: clinical testing. Allele origin: germline.
Comment: This sequence change replaces glycine, which is neutral and non-polar, with alanine, which is neutral and non-polar, at codon 294 of the IRF2BP2 protein (p.Gly294Ala). This variant is present in population databases (rs755757862, gnomAD 0.03%). This variant has not been reported in the literature in individuals affected with IRF2BP2-related conditions. ClinVar contains an entry for this variant (Variation ID: 1420464). Algorithms developed to predict the effect of missense changes on protein structure and function output the following: SIFT: "Tolerated"; PolyPhen-2: "Benign"; Align-GVGD: "Class C0". The alanine amino acid residue is found in multiple mammalian species, which suggests that this missense change does not adversely affect protein function. In summary, the available evidence is currently insufficient to determine the role of this variant in disease. Therefore, it has been classified as a Variant of Uncertain Significance.